The following is an entry in ClinVar:

NM_000182.5(HADHA):c.844_845insA (p.Val282fs)

Gene: HADHA (hydroxyacyl-CoA dehydrogenase trifunctional multienzyme complex subunit alpha; minus strand). Cytogenetic location: 2p23.3.
Variant type: Insertion.
Coding change: c.844_845insA on transcript NM_000182.5 (MANE Select); coding-DNA positions 844 to 845, A inserted.
Protein change: p.Val282fs; shifts the reading frame from valine 282.
Molecular consequence: frameshift variant.
Genome position: GRCh38 VCF-style: chr2-26214516-A-AT. GRCh37 (hg19) VCF-style: chr2-26437385-A-AT.
Other names: short protein forms V282fs.
Identifiers: ClinVar variation 551571 (VCV000551571.5), dbSNP rs774235292, ClinGen allele CA1559766.

ClinVar aggregate classification (germline): Pathogenic. Review status: criteria provided, single submitter (1 of 4 stars). 2 submissions from 2 submitters: Pathogenic (1). 1 of the submissions does not count toward it. Last evaluated 2023-10-04.

Conditions:
Long chain 3-hydroxyacyl-CoA dehydrogenase deficiency. Also called: Deficiency of long-chain 3-hydroxyacyl-coenzyme A dehydrogenase; LCHAD Deficiency. Identifiers: Orphanet 5, MedGen C3711645, MONDO:0012173, OMIM 609016.
Mitochondrial trifunctional protein deficiency. Identifiers: Orphanet 746, MedGen C1969443, MONDO:0012172.

Allele frequency attached by ClinVar (database versions not stated): gnomAD exomes below 0.00001; TOPMed below 0.00001; ExAC 0.00001.

Submissions (2):

Labcorp Genetics (formerly Invitae), Labcorp
Classification: Pathogenic for Mitochondrial trifunctional protein deficiency; Long chain 3-hydroxyacyl-CoA dehydrogenase deficiency. Last evaluated: 2023-10-04. Review status: criteria provided, single submitter. Criteria: Invitae Variant Classification Sherloc (09022015). Collection method: clinical testing. Allele origin: germline.
Comment: This sequence change creates a premature translational stop signal (p.Val282Aspfs*14) in the HADHA gene. It is expected to result in an absent or disrupted protein product. Loss-of-function variants in HADHA are known to be pathogenic (PMID: 7738175, 21103935, 21549624, 22459206). This variant is present in population databases (rs774235292, gnomAD 0.007%). This variant has not been reported in the literature in individuals affected with HADHA-related conditions. ClinVar contains an entry for this variant (Variation ID: 551571). For these reasons, this variant has been classified as Pathogenic.

Counsyl
Classification: Likely pathogenic for Long chain 3-hydroxyacyl-CoA dehydrogenase deficiency. Last evaluated: 2017-04-18. Review status: no assertion criteria provided. Collection method: clinical testing. Allele origin: unknown. Not counted in ClinVar's aggregate classification.

Literature cited by the submitters: PubMed 7738175 (cited by Labcorp Genetics (formerly Invitae), Labcorp); PubMed 21103935 (cited by Labcorp Genetics (formerly Invitae), Labcorp); PubMed 21549624 (cited by Labcorp Genetics (formerly Invitae), Labcorp); PubMed 22459206 (cited by Labcorp Genetics (formerly Invitae), Labcorp).